The following is an entry in ClinVar:

ClinVar aggregate classification (germline): Benign (1 of 4 stars; one submission).

Conditions:
Sorsby fundus dystrophy (SFD). Also called: MACULAR DYSTROPHY, HEMORRHAGIC; Sorsby fundus dystrophy, Lavia type; FUNDUS DYSTROPHY, PSEUDOINFLAMMATORY, OF SORSBY. Identifiers: Orphanet 59181, MedGen C1850938, MONDO:0007640, OMIM 136900.

Allele frequency attached by ClinVar (database versions not stated): gnomAD 0.00239; TOPMed 0.00374; 1000 Genomes Project 30x 0.00515; 1000 Genomes Project 0.00539.

Submission:

Illumina Laboratory Services, Illumina
Classification: Benign for Sorsby fundus dystrophy. Last evaluated: 2018-01-12. Review status: criteria provided, single submitter. Criteria: ICSL Variant Classification Criteria 13 December 2019. Collection method: clinical testing. Allele origin: germline.
Comment: This variant was observed in the ICSL laboratory as part of a predisposition screen in an ostensibly healthy population. It had not been previously curated by ICSL or reported in the Human Gene Mutation Database (HGMD: prior to June 1st, 2018), and was therefore a candidate for classification through an automated scoring system. Utilizing variant allele frequency, disease prevalence and penetrance estimates, and inheritance mode, an automated score was calculated to assess if this variant is too frequent to cause the disease. Based on the score and internal cut-off values, a variant classified as benign is not then subjected to further curation. The score for this variant resulted in a classification of benign for this disease.

NM_000362.5(TIMP3):c.*2413G>T

Genes: SYN3 (synapsin III; minus strand), TIMP3 (TIMP metallopeptidase inhibitor 3; plus strand). Cytogenetic location: 22q12.3.
Variant type: single nucleotide variant.
Coding change: c.*2413G>T on transcript NM_000362.5 (MANE Select); 2413 bases downstream of the stop codon, G replaced by T.
Molecular consequence: 3 prime UTR variant. On other transcripts: intron variant (7).
Genome position (GRCh38, 1-based): chr22:32,861,790, G>T. VCF-style: chr22-32861790-G-T. GRCh37 (hg19) VCF-style: chr22-33257777-G-T.
Other names: c.708+3125C>A (NM_001369909.1, NM_001135774.2, NM_001369910.1); c.711+3125C>A (NM_001369907.1, NM_003490.4, NM_001369908.1 and 1 more transcripts).
Identifiers: ClinVar variation 341388 (VCV000341388.5), dbSNP rs141846470, ClinGen allele CA10645385.